The following is an entry in ClinVar:

ClinVar aggregate classification (germline): Uncertain significance. Review status: criteria provided, multiple submitters, no conflicts (2 of 4 stars). 2 submissions from 2 submitters: Uncertain significance (2). Last evaluated 2025-09-26.

Conditions:
Inborn genetic diseases. Identifiers: MedGen C0950123, MeSH D030342.

Allele frequency attached by ClinVar (database versions not stated): gnomAD 0.00001; TOPMed 0.00004.
gnomAD v4.1: 5 of 1,614,104 alleles (0.00031%); highest among the groups gnomAD compares: Admixed American, 0.0083%; no homozygotes.

Submissions (2):

Ambry Genetics
Classification: Uncertain significance for Inborn genetic diseases. Last evaluated: 2025-09-26. Review status: criteria provided, single submitter. Criteria: Ambry Variant Classification Scheme 2023. Collection method: clinical testing. Allele origin: germline.

Labcorp Genetics (formerly Invitae), Labcorp
Classification: Uncertain significance. Last evaluated: 2025-06-02. Review status: criteria provided, single submitter. Criteria: Invitae Variant Classification Sherloc (09022015). Collection method: clinical testing. Allele origin: germline.
Comment: This sequence change replaces glutamine, which is neutral and polar, with lysine, which is basic and polar, at codon 1653 of the SPEG protein (p.Gln1653Lys). This variant is present in population databases (no rsID available, gnomAD 0.003%). This variant has not been reported in the literature in individuals affected with SPEG-related conditions. ClinVar contains an entry for this variant (Variation ID: 1436399). An algorithm developed to predict the effect of missense changes on protein structure and function (PolyPhen-2) suggests that this variant is likely to be disruptive. In summary, the available evidence is currently insufficient to determine the role of this variant in disease. Therefore, it has been classified as a Variant of Uncertain Significance.

NM_005876.5(SPEG):c.4957C>A (p.Gln1653Lys)

Gene: SPEG (striated muscle enriched protein kinase; plus strand). Cytogenetic location: 2q35.
Variant type: single nucleotide variant.
Coding change: c.4957C>A on transcript NM_005876.5 (MANE Select); coding-DNA position 4957, C replaced by A.
Protein change: p.Gln1653Lys; replaces glutamine 1653 with lysine.
Molecular consequence: missense variant.
Genome position (GRCh38, 1-based): chr2:219,478,035, C>A. VCF-style: chr2-219478035-C-A. GRCh37 (hg19) VCF-style: chr2-220342757-C-A.
Other names: c.4957C>A (NM_005876.4); short protein forms Q1653K.
Identifiers: ClinVar variation 1436399 (VCV001436399.7), dbSNP rs747356918, ClinGen allele CA65983450.